The following is an entry in ClinVar:

NM_006445.4(PRPF8):c.2368C>T (p.Arg790Trp)

Gene: PRPF8 (pre-mRNA processing factor 8; minus strand). Cytogenetic location: 17p13.3.
Variant type: single nucleotide variant.
Coding change: c.2368C>T on transcript NM_006445.4 (MANE Select); coding-DNA position 2368, C replaced by T.
Protein change: p.Arg790Trp; replaces arginine 790 with tryptophan.
Molecular consequence: missense variant.
Genome position (GRCh38, 1-based): chr17:1,676,525, G>A on the plus strand (C>T on the coding strand, the complement: PRPF8 is on the minus strand). VCF-style: chr17-1676525-G-A. GRCh37 (hg19) VCF-style: chr17-1579819-G-A.
Other names: short protein forms R790W.
Identifiers: ClinVar variation 3697050 (VCV003697050.2).
Genomic context (GRCh38, chr17:1,676,525, plus strand): 5'-CCCCCACCACTCACACCCAGCCCAGCCTACTCTGCCCAACCTTCAGGTAGTTGTGCTGCC[G>A]CTCCTGTTCTGCCTTCAGATAGAGCCGGGTGAGGCGGCCCAGATTCTTTTTACAAACAGT-3'
Protein context (NP_006436.3, residues 780-800): TRLYLKAEQE[Arg790Trp]QHNYLKDGPY

ClinVar aggregate classification (germline): Uncertain significance (1 of 4 stars; one submission).

Submission:

Labcorp Genetics (formerly Invitae), Labcorp
Classification: Uncertain significance. Last evaluated: 2024-05-06. Review status: criteria provided, single submitter. Criteria: Invitae Variant Classification Sherloc (09022015). Collection method: clinical testing. Allele origin: germline.
Comment: This sequence change replaces arginine, which is basic and polar, with tryptophan, which is neutral and slightly polar, at codon 790 of the PRPF8 protein (p.Arg790Trp). This variant is not present in population databases (gnomAD no frequency). This variant has not been reported in the literature in individuals affected with PRPF8-related conditions. Advanced modeling of protein sequence and biophysical properties (such as structural, functional, and spatial information, amino acid conservation, physicochemical variation, residue mobility, and thermodynamic stability) performed at Invitae indicates that this missense variant is expected to disrupt PRPF8 protein function with a positive predictive value of 80%. In summary, the available evidence is currently insufficient to determine the role of this variant in disease. Therefore, it has been classified as a Variant of Uncertain Significance.